The following is an entry in ClinVar:

ClinVar aggregate classification (germline): Likely benign. Review status: criteria provided, multiple submitters, no conflicts (2 of 4 stars). 2 submissions from 2 submitters: Likely benign (2). Last evaluated 2018-06-14.

Allele frequency attached by ClinVar (database versions not stated): gnomAD exomes 0.00093; gnomAD 0.00886 and 0.00924; 1000 Genomes Project 0.00978; TOPMed 0.01002; 1000 Genomes Project 30x 0.01015.
gnomAD v4.1: 2,556 of 1,397,636 alleles (0.18%); highest among the groups gnomAD compares: African/African-American, 3.2%; 58 homozygotes.

Submissions (2):

GeneDx
Classification: Likely benign. Last evaluated: 2018-06-14. Review status: criteria provided, single submitter. Criteria: GeneDx Variant Classification (06012015). Collection method: clinical testing. Allele origin: germline. Affected: yes.
Comment: This variant is considered likely benign or benign based on one or more of the following criteria: it is a conservative change, it occurs at a poorly conserved position in the protein, it is predicted to be benign by multiple in silico algorithms, and/or has population frequency not consistent with disease.

Breakthrough Genomics
Classification: Likely benign. Review status: criteria provided, single submitter. Criteria: ACMG Guidelines, 2015. Collection method: not provided. Allele origin: germline. Inheritance: Autosomal recessive inheritance. Affected: yes.

NM_000090.4(COL3A1):c.80-69A>G

Gene: COL3A1 (collagen type III alpha 1 chain; plus strand). Cytogenetic location: 2q32.2.
Variant type: single nucleotide variant.
Coding change: c.80-69A>G on transcript NM_000090.4 (MANE Select); 69 bases into the intron before coding-DNA position 80, A replaced by G.
Molecular consequence: intron variant.
Genome position (GRCh38, 1-based): chr2:188,984,691, A>G. VCF-style: chr2-188984691-A-G. GRCh37 (hg19) VCF-style: chr2-189849417-A-G.
Identifiers: ClinVar variation 676605 (VCV000676605.2), dbSNP rs59459440, ClinGen allele CA62585163.